The following is an entry in ClinVar:

ClinVar aggregate classification (germline): Pathogenic/Likely pathogenic. Review status: criteria provided, multiple submitters, no conflicts (2 of 4 stars). 6 submissions from 6 submitters: Pathogenic (4); Likely pathogenic (1). 1 of the submissions does not count toward it. Last evaluated 2025-12-04.

Conditions:
Neuronal ceroid lipofuscinosis 1 (CLN1). Also called: CEROID LIPOFUSCINOSIS, NEURONAL, 1, VARIABLE AGE AT ONSET; PPT1-Related Neuronal Ceroid-Lipofuscinosis. Identifiers: Orphanet 228329, MedGen C1850451, MONDO:0009744, OMIM 256730.

Allele frequency attached by ClinVar (database versions not stated): gnomAD exomes below 0.00001 and 0.00006; ExAC 0.00001; gnomAD 0.00001; TOPMed 0.00001.
gnomAD v4.1: 93 of 1,614,014 alleles (0.0058%); highest among the groups gnomAD compares: Non-Finnish European, 0.0078%; no homozygotes.

Submissions (6):

GeneDx
Classification: Pathogenic. Last evaluated: 2025-12-04. Review status: criteria provided, single submitter. Criteria: GeneDx Variant Classification Process June 2021. Collection method: clinical testing. Allele origin: germline. Affected: yes.
Comment: Published functional studies demonstrate a damaging effect with significantly impaired enzyme activity (PMID: 11440996); In silico analysis supports that this missense variant has a deleterious effect on protein structure/function; Not observed at significant frequency in large population cohorts (gnomAD); This variant is associated with the following publications: (PMID: 17565660, 10191107, 21990111, 11073228, 15719035, 9664077, 11440996)

Natera, Inc.
Classification: Likely pathogenic for Neuronal ceroid lipofuscinosis 1. Last evaluated: 2024-10-04. Review status: criteria provided, single submitter. Criteria: Natera Variant Classification Schema (03/2026). Collection method: clinical testing. Allele origin: germline.
Comment: The c.325T>G variant in PPT1 is a missense variant predicted to cause substitution of tyrosine to aspartic acid at amino acid 109. This variant is rare in the general population with a frequency below the threshold expected for the associated phenotype(s). This variant has been observed in one or more individuals affected with the associated recessive disease, as either homozygous or compound heterozygous with a second variant (PMID: 32856788, 9664077). Functional studies show that this variant may disrupt protein function (PMID: 11440996). Computational prediction algorithms indicate this variant is likely to affect gene or protein function. Given the available evidence, this variant is classified as Likely Pathogenic.

Labcorp Genetics (formerly Invitae), Labcorp
Classification: Pathogenic for Neuronal ceroid lipofuscinosis 1. Last evaluated: 2024-05-15. Review status: criteria provided, single submitter. Criteria: Invitae Variant Classification Sherloc (09022015). Collection method: clinical testing. Allele origin: germline.
Comment: This sequence change replaces tyrosine, which is neutral and polar, with aspartic acid, which is acidic and polar, at codon 109 of the PPT1 protein (p.Tyr109Asp). This variant is present in population databases (rs386833642, gnomAD 0.0009%). This missense change has been observed in individual(s) with neuronal ceroid lipofuscinosis (PMID: 9664077, 10191107, 21990111). ClinVar contains an entry for this variant (Variation ID: 56190). Advanced modeling of protein sequence and biophysical properties (such as structural, functional, and spatial information, amino acid conservation, physicochemical variation, residue mobility, and thermodynamic stability) performed at Invitae indicates that this missense variant is expected to disrupt PPT1 protein function with a positive predictive value of 95%. Experimental studies have shown that this missense change affects PPT1 function (PMID: 11440996). For these reasons, this variant has been classified as Pathogenic.

Baylor Genetics
Classification: Pathogenic for Neuronal ceroid lipofuscinosis 1. Last evaluated: 2024-01-10. Review status: criteria provided, single submitter. Criteria: ACMG Guidelines, 2015. Collection method: clinical testing. Allele origin: unknown.

Victorian Clinical Genetics Services, Murdoch Childrens Research Institute
Classification: Pathogenic for Neuronal ceroid lipofuscinosis 1. Last evaluated: 2020-05-25. Review status: criteria provided, single submitter. Criteria: ACMG Guidelines, 2015. Collection method: clinical testing. Allele origin: germline. Inheritance: Autosomal recessive inheritance. Affected: yes.
Comment: Based on the classification scheme VCGS_Germline_v1.1.1, this variant is classified as Pathogenic. Following criteria are met: 0102 - Loss-of-function is a known mechanism of disease for this gene. (N) 0106 - This gene is known to be associated with autosomal recessive disease. (N) 0200 - Variant is predicted to result in a missense amino acid change from tyrosine to aspartic acid (exon 3). (N) 0251 - Variant is heterozygous. (N) 0304 - Variant is present in gnomAD <0.01 for a recessive condition (1 Heterozygote, 0 Homozygotes). (P) 0501 - Missense variant consistently predicted to be damaging by multiple in-silico tools or highly conserved with a major amino acid change. (P) 0600 - Variant is located in an annotated domain or motif (palmitoyl protein thioesterase domain, PDB). (N) 0705 - No comparable variants have previous evidence for pathogenicity. (N) 0801 - Strong previous evidence of pathogenicity in unrelated individuals (ClinVar, Das, AK. et al. (1998), Hofmann, SL. et al. (1999), Das, AK. et al. (2001), Kousi, M. et al. (2012), Teixeira, C. et al. (2013)). (P) 0905 - No segregation evidence has been identified for this variant. (N) 1001 - Strong functional evidence supporting abnormal protein function (Das, AK. et al. (2001)). (P) 1208 - Inheritance information for this variant is not currently available. (N)

Juha Muilu Group; Institute for Molecular Medicine Finland (FIMM)
Classification: Likely pathogenic for Ceroid lipofuscinosis neuronal 1. Review status: no assertion criteria provided. Collection method: not provided. Allele origin: unknown. Not counted in ClinVar's aggregate classification.
Comment: FinDis database variant: This variant was not found or characterized by our laboratory, data were collected from public sources: see reference
ClinVar note: Converted during submission from probable-pathogenic to Likely pathogenic.

Literature cited by the submitters: PubMed 32856788 (cited by Natera, Inc.); PubMed 9664077 (cited by Natera, Inc. and Labcorp Genetics (formerly Invitae), Labcorp); PubMed 11440996 (cited by Natera, Inc. and Labcorp Genetics (formerly Invitae), Labcorp); PubMed 10191107 (cited by Labcorp Genetics (formerly Invitae), Labcorp); PubMed 21990111 (cited by Labcorp Genetics (formerly Invitae), Labcorp).

NM_000310.4(PPT1):c.325T>G (p.Tyr109Asp)

Gene: PPT1 (palmitoyl-protein thioesterase 1; minus strand). Cytogenetic location: 1p34.2.
Variant type: single nucleotide variant.
Coding change: c.325T>G on transcript NM_000310.4 (MANE Select); coding-DNA position 325, T replaced by G.
Protein change: p.Tyr109Asp; replaces tyrosine 109 with aspartic acid.
Molecular consequence: missense variant. On other transcripts: intron variant (1).
Genome position (GRCh38, 1-based): chr1:40,092,082, A>C on the plus strand (T>G on the coding strand, the complement: PPT1 is on the minus strand). VCF-style: chr1-40092082-A-C. GRCh37 (hg19) VCF-style: chr1-40557754-A-C.
Other names: p.Y109D:TAC>GAC; c.325T>G, p.Tyr109Asp (NM_001363695.2); c.125-2570T>G (NM_001142604.2); short protein forms Y109D.
Identifiers: ClinVar variation 56190 (VCV000056190.17), dbSNP rs386833642, ClinGen allele CA263499.